The following is an entry in ClinVar:

NM_032242.4(PLXNA1):c.2247G>A (p.Pro749=)

Gene: PLXNA1 (plexin A1; plus strand). Cytogenetic location: 3q21.3.
Variant type: single nucleotide variant.
Coding change: c.2247G>A on transcript NM_032242.4 (MANE Select); coding-DNA position 2247, G replaced by A.
Protein change: p.Pro749=; no amino-acid change (proline 749 retained).
Molecular consequence: synonymous variant.
Genome position (GRCh38, 1-based): chr3:127,012,092, G>A. VCF-style: chr3-127012092-G-A. GRCh37 (hg19) VCF-style: chr3-126730935-G-A.
Identifiers: ClinVar variation 3053325 (VCV003053325.2), dbSNP rs116977419, ClinGen allele CA2593548.
Genomic context (GRCh38, chr3:127,012,092, plus strand): 5'-ACGGAACCTGCCACAGCCACAGTCAGGCCAGCGTGGATATGAGTGCCTCTTCCACATCCC[G>A]GGCAGCCCGGCCCGTGTCACCGCCCTGCGCTTCAACAGCTCCAGCCTGCAGTGCCAGAAT-3'
Protein context (NP_115618.3, residues 739-759): QRGYECLFHI[Pro749=]GSPARVTALR

ClinVar aggregate classification (germline): Likely benign (0 of 4 stars; one submission).

Conditions:
PLXNA1-related disorder. Also called: PLXNA1-related condition.

Allele frequency attached by ClinVar (database versions not stated): gnomAD exomes 0.00006; ExAC 0.00017; ESP Exome Variant Server 0.00031; gnomAD 0.00058; 1000 Genomes Project 30x 0.00062; TOPMed 0.00065; 1000 Genomes Project 0.00080.
gnomAD v4.1: 176 of 1,613,568 alleles (0.011%); highest among the groups gnomAD compares: African/African-American, 0.19%; no homozygotes.

Submission:

PreventionGenetics, part of Exact Sciences
Classification: Likely benign for PLXNA1-related condition. Last evaluated: 2022-03-02. Review status: no assertion criteria provided. Collection method: clinical testing. Allele origin: germline.
Comment: This variant is classified as likely benign based on ACMG/AMP sequence variant interpretation guidelines (Richards et al. 2015 PMID: 25741868, with internal and published modifications).